The following is an entry in ClinVar:

ClinVar aggregate classification (germline): Likely pathogenic (1 of 4 stars; one submission).

Submission:

Labcorp Genetics (formerly Invitae), Labcorp
Classification: Likely pathogenic. Last evaluated: 2021-12-03. Review status: criteria provided, single submitter. Criteria: Invitae Variant Classification Sherloc (09022015). Collection method: clinical testing. Allele origin: germline.
Comment: This sequence change replaces aspartic acid, which is acidic and polar, with histidine, which is basic and polar, at codon 446 of the COMP protein (p.Asp446His). In summary, the currently available evidence indicates that the variant is pathogenic, but additional data are needed to prove that conclusively. Therefore, this variant has been classified as Likely Pathogenic. This variant disrupts the p.Asp446 amino acid residue in COMP. Other variant(s) that disrupt this residue have been observed in individuals with COMP-related conditions (PMID: 9388247), which suggests that this may be a clinically significant amino acid residue. Advanced modeling of protein sequence and biophysical properties (such as structural, functional, and spatial information, amino acid conservation, physicochemical variation, residue mobility, and thermodynamic stability) performed at Invitae indicates that this missense variant is expected to disrupt COMP protein function. This missense change has been observed in individuals with pseudoachondroplasia (PMID: 24595329; Invitae). This variant is not present in population databases (gnomAD no frequency).

Literature cited by the submitters: PubMed 9388247; PubMed 24595329.

NM_000095.3(COMP):c.1336G>C (p.Asp446His)

Gene: COMP (cartilage oligomeric matrix protein; minus strand). Cytogenetic location: 19p13.11.
Variant type: single nucleotide variant.
Coding change: c.1336G>C on transcript NM_000095.3 (MANE Select); coding-DNA position 1336, G replaced by C.
Protein change: p.Asp446His; replaces aspartic acid 446 with histidine.
Molecular consequence: missense variant.
Genome position (GRCh38, 1-based): chr19:18,786,118, C>G on the plus strand (G>C on the coding strand, the complement: COMP is on the minus strand). VCF-style: chr19-18786118-C-G. GRCh37 (hg19) VCF-style: chr19-18896928-C-G.
Other names: short protein forms D446H.
Identifiers: ClinVar variation 1498138 (VCV001498138.6), dbSNP rs2145900906, ClinGen allele CA404885140.